The following is an entry in ClinVar:

NM_014334.4(FRRS1L):c.455A>G (p.Lys152Arg)

Gene: FRRS1L (ferric chelate reductase 1 like; minus strand). Cytogenetic location: 9q31.3.
Variant type: single nucleotide variant.
Coding change: c.455A>G on transcript NM_014334.4 (MANE Select); coding-DNA position 455, A replaced by G.
Protein change: p.Lys152Arg; replaces lysine 152 with arginine.
Molecular consequence: missense variant.
Genome position (GRCh38, 1-based): chr9:109,147,058, T>C on the plus strand (A>G on the coding strand, the complement: FRRS1L is on the minus strand). VCF-style: chr9-109147058-T-C. GRCh37 (hg19) VCF-style: chr9-111909338-T-C.
Other names: c.608A>G (NM_014334.2); short protein forms K152R.
Identifiers: ClinVar variation 999176 (VCV000999176.8), dbSNP rs1588099304, ClinGen allele CA374426576.
Genomic context (GRCh38, chr9:109,147,058, plus strand): 5'-AGCACAGCCAACTAAAGAGAAAAAATCAGCTTCTATCATGTTTTGCATCTTACCATTTTC[T>C]TGTCTGAAGAGAATCCAACTGCTACCCAACCATCTGTGTCTGCACTCAGCTCAAATTCTA-3'
Protein context (NP_055149.3, residues 142-162): GWVAVGFSSD[Lys152Arg]KMGGDDVMAC

ClinVar aggregate classification (germline): Uncertain significance. Review status: criteria provided, multiple submitters, no conflicts (2 of 4 stars). 2 submissions from 2 submitters: Uncertain significance (2). Last evaluated 2024-10-01.

Conditions:
Inborn genetic diseases. Identifiers: MedGen C0950123, MeSH D030342.
Developmental and epileptic encephalopathy, 37 (DEE37). Also called: Epileptic encephalopathy, early infantile, 37. Identifiers: MedGen C4310770, MONDO:0014859, OMIM 616981.

Submissions (2):

Ambry Genetics
Classification: Uncertain significance for Inborn genetic diseases. Last evaluated: 2024-10-01. Review status: criteria provided, single submitter. Criteria: Ambry Variant Classification Scheme 2023. Collection method: clinical testing. Allele origin: germline.

Labcorp Genetics (formerly Invitae), Labcorp
Classification: Uncertain significance for Developmental and epileptic encephalopathy, 37. Last evaluated: 2020-06-04. Review status: criteria provided, single submitter. Criteria: Invitae Variant Classification Sherloc (09022015). Collection method: clinical testing. Allele origin: germline.
Comment: In summary, the available evidence is currently insufficient to determine the role of this variant in disease. Therefore, it has been classified as a Variant of Uncertain Significance. Algorithms developed to predict the effect of sequence changes on RNA splicing suggest that this variant may create or strengthen a splice site, but this prediction has not been confirmed by published transcriptional studies. Algorithms developed to predict the effect of missense changes on protein structure and function output the following: SIFT: "Tolerated"; PolyPhen-2: "Benign"; Align-GVGD: "Class C0". The arginine amino acid residue is found in multiple mammalian species, suggesting that this missense change does not adversely affect protein function. These predictions have not been confirmed by published functional studies and their clinical significance is uncertain. This variant has not been reported in the literature in individuals with FRRS1L-related conditions. This variant is not present in population databases (ExAC no frequency). This sequence change replaces lysine with arginine at codon 203 of the FRRS1L protein (p.Lys203Arg). The lysine residue is highly conserved and there is a small physicochemical difference between lysine and arginine.